The following is an entry in ClinVar:

ClinVar aggregate classification (germline): Pathogenic. Review status: criteria provided, single submitter (1 of 4 stars). 2 submissions from 2 submitters: Pathogenic (1). 1 of the submissions does not count toward it. Last evaluated 2024-04-15.

Conditions:
Oculodentodigital dysplasia, autosomal recessive. Also called: OCULODENTOOSSEOUS DYSPLASIA, AUTOSOMAL RECESSIVE; ODDD, AUTOSOMAL RECESSIVE; ODOD, AUTOSOMAL RECESSIVE. Identifiers: Orphanet 2710, MedGen C2749477, MONDO:0009768, OMIM 257850.
Oculodentodigital dysplasia (ODDD). Also called: ODD SYNDROME; Oculodentodigital syndrome. Identifiers: Orphanet 2710, MedGen C0812437, MONDO:0008111, OMIM 164200.

Submissions (2):

Labcorp Genetics (formerly Invitae), Labcorp
Classification: Pathogenic for Oculodentodigital dysplasia, autosomal recessive. Last evaluated: 2024-04-15. Review status: criteria provided, single submitter. Criteria: Invitae Variant Classification Sherloc (09022015). Collection method: clinical testing. Allele origin: germline.
Comment: This sequence change replaces valine, which is neutral and non-polar, with methionine, which is neutral and non-polar, at codon 96 of the GJA1 protein (p.Val96Met). This variant is not present in population databases (gnomAD no frequency). This missense change has been observed in individual(s) with autosomal dominant oculodentodigital dysplasia (PMID: 15108203). It has also been observed to segregate with disease in related individuals. ClinVar contains an entry for this variant (Variation ID: 16988). Advanced modeling of protein sequence and biophysical properties (such as structural, functional, and spatial information, amino acid conservation, physicochemical variation, residue mobility, and thermodynamic stability) performed at Invitae indicates that this missense variant is expected to disrupt GJA1 protein function with a positive predictive value of 80%. For these reasons, this variant has been classified as Pathogenic.

OMIM
Classification: Pathogenic for OCULODENTODIGITAL DYSPLASIA. Last evaluated: 2004-06-01. Review status: no assertion criteria provided. Collection method: literature only. Allele origin: germline. Not counted in ClinVar's aggregate classification.

Literature cited by the submitters: PubMed 15108203 (cited by Labcorp Genetics (formerly Invitae), Labcorp and OMIM).

NM_000165.5(GJA1):c.286G>A (p.Val96Met)

Gene: GJA1 (gap junction protein alpha 1; plus strand). Cytogenetic location: 6q22.31.
Variant type: single nucleotide variant.
Coding change: c.286G>A on transcript NM_000165.5 (MANE Select); coding-DNA position 286, G replaced by A.
Protein change: p.Val96Met; replaces valine 96 with methionine.
Molecular consequence: missense variant.
Genome position (GRCh38, 1-based): chr6:121,447,133, G>A. VCF-style: chr6-121447133-G-A. GRCh37 (hg19) VCF-style: chr6-121768279-G-A.
Other names: short protein forms V96M.
Identifiers: ClinVar variation 16988 (VCV000016988.3), dbSNP rs28931601, ClinGen allele CA215134.